The following is an entry in ClinVar:

ClinVar aggregate classification (germline): Uncertain significance (1 of 4 stars; one submission).

Conditions:
Glycine encephalopathy. Also called: Nonketotic hyperglycinemia; Non-ketotic hyperglycinemia. Identifiers: Orphanet 407, MedGen C0751748, MONDO:0011612, HP:0008288.

Allele frequency attached by ClinVar (database versions not stated): gnomAD exomes below 0.00001 and 0.00001; TOPMed below 0.00001; ExAC 0.00001.
gnomAD v4.1: 5 of 1,613,584 alleles (0.00031%); highest among the groups gnomAD compares: Admixed American, 0.0033%; no homozygotes.

Submission:

Labcorp Genetics (formerly Invitae), Labcorp
Classification: Uncertain significance for Glycine encephalopathy. Last evaluated: 2022-10-17. Review status: criteria provided, single submitter. Criteria: Invitae Variant Classification Sherloc (09022015). Collection method: clinical testing. Allele origin: germline.
Comment: This sequence change replaces valine, which is neutral and non-polar, with methionine, which is neutral and non-polar, at codon 8 of the AMT protein (p.Val8Met). This variant is present in population databases (rs759853191, gnomAD 0.006%). This variant has not been reported in the literature in individuals affected with AMT-related conditions. ClinVar contains an entry for this variant (Variation ID: 1518041). Advanced modeling of protein sequence and biophysical properties (such as structural, functional, and spatial information, amino acid conservation, physicochemical variation, residue mobility, and thermodynamic stability) performed at Invitae indicates that this missense variant is not expected to disrupt AMT protein function. In summary, the available evidence is currently insufficient to determine the role of this variant in disease. Therefore, it has been classified as a Variant of Uncertain Significance.

NM_000481.4(AMT):c.22G>A (p.Val8Met)

Genes: NICN1 (nicolin 1, tubulin polyglutamylase complex subunit; minus strand), AMT (aminomethyltransferase; minus strand). Cytogenetic location: 3p21.31.
Variant type: single nucleotide variant.
Coding change: c.22G>A on transcript NM_000481.4 (MANE Select); coding-DNA position 22, G replaced by A.
Protein change: p.Val8Met; replaces valine 8 with methionine.
Molecular consequence: missense variant. On other transcripts: non-coding transcript variant (1), 3 prime UTR variant (1).
Genome position (GRCh38, 1-based): chr3:49,422,429, C>T on the plus strand (G>A on the coding strand, the complement: AMT is on the minus strand). VCF-style: chr3-49422429-C-T. GRCh37 (hg19) VCF-style: chr3-49459862-C-T.
Other names: c.22G>A, p.Val8Met (NM_001164710.2, NM_001164711.2, NM_001164712.2); c.*2404G>A (NM_032316.3); short protein forms V8M.
Identifiers: ClinVar variation 1518041 (VCV001518041.3), dbSNP rs759853191, ClinGen allele CA2398514.